The following is an entry in ClinVar:

ClinVar aggregate classification (germline): Pathogenic (1 of 4 stars; one submission).

Submission:

Labcorp Genetics (formerly Invitae), Labcorp
Classification: Pathogenic. Last evaluated: 2022-09-28. Review status: criteria provided, single submitter. Criteria: Invitae Variant Classification Sherloc (09022015). Collection method: clinical testing. Allele origin: germline.
Comment: This variant disrupts a region of the COL4A4 protein in which other variant(s) (p.Gly1057Val) have been determined to be pathogenic (Invitae). This suggests that this is a clinically significant region of the protein, and that variants that disrupt it are likely to be disease-causing. This variant has not been reported in the literature in individuals affected with COL4A4-related conditions. This variant is a gross deletion of the genomic region encompassing exon(s) 32-34 of the COL4A4 gene. This variant would be expected to be in-frame, preserving the integrity of the reading frame. For these reasons, this variant has been classified as Pathogenic.

NC_000002.11:g.(?_227914764)_(227917148_?)del

Gene: COL4A4 (collagen type IV alpha 4 chain; minus strand). Cytogenetic location: 2q36.3.
Variant type: Deletion.
Identifiers: ClinVar variation 2422346 (VCV002422346.2).